The following is an entry in ClinVar:

NM_002432.3(MNDA):c.1002G>T (p.Lys334Asn)

Gene: MNDA (myeloid cell nuclear differentiation antigen; plus strand). Cytogenetic location: 1q23.1.
Variant type: single nucleotide variant.
Coding change: c.1002G>T on transcript NM_002432.3 (MANE Select); coding-DNA position 1002, G replaced by T.
Protein change: p.Lys334Asn; replaces lysine 334 with asparagine.
Molecular consequence: missense variant.
Genome position (GRCh38, 1-based): chr1:158,847,742, G>T. VCF-style: chr1-158847742-G-T. GRCh37 (hg19) VCF-style: chr1-158817532-G-T.
Other names: short protein forms K334N.
Identifiers: ClinVar variation 2563159 (VCV002563159.2), dbSNP rs1469730051, ClinGen allele CA343043666.

ClinVar aggregate classification (germline): Uncertain significance (1 of 4 stars; one submission).

Submission:

Ambry Genetics
Classification: Uncertain significance. Last evaluated: 2023-06-09. Review status: criteria provided, single submitter. Criteria: Ambry Variant Classification Scheme 2023. Collection method: clinical testing. Allele origin: germline.
Comment: The p.K334N variant (also known as c.1002G>T), located in coding exon 5 of the MNDA gene, results from a G to T substitution at nucleotide position 1002. The lysine at codon 334 is replaced by asparagine, an amino acid with similar properties. This amino acid position is conserved. In addition, this alteration is predicted to be tolerated by in silico analysis. Since supporting evidence is limited at this time, the clinical significance of this alteration remains unclear.